The following is an entry in ClinVar:

NM_001253697.2(ERBIN):c.35T>C (p.Val12Ala)

Gene: ERBIN (erbb2 interacting protein; plus strand). Cytogenetic location: 5q12.3.
Variant type: single nucleotide variant.
Coding change: c.35T>C on transcript NM_001253697.2 (MANE Select); coding-DNA position 35, T replaced by C.
Protein change: p.Val12Ala; replaces valine 12 with alanine.
Molecular consequence: missense variant.
Genome position (GRCh38, 1-based): chr5:65,992,753, T>C. VCF-style: chr5-65992753-T-C. GRCh37 (hg19) VCF-style: chr5-65288581-T-C.
Other names: c.35T>C, p.Val12Ala (NM_001006600.3, NM_001253698.2, NM_001253699.2 and 2 more transcripts); short protein forms V12A.
Identifiers: ClinVar variation 2858063 (VCV002858063.3), dbSNP rs1580279876, ClinGen allele CA359971738.

ClinVar aggregate classification (germline): Uncertain significance (1 of 4 stars; one submission).

Submission:

Labcorp Genetics (formerly Invitae), Labcorp
Classification: Uncertain significance. Last evaluated: 2024-04-05. Review status: criteria provided, single submitter. Criteria: Invitae Variant Classification Sherloc (09022015). Collection method: clinical testing. Allele origin: germline.
Comment: This sequence change replaces valine, which is neutral and non-polar, with alanine, which is neutral and non-polar, at codon 12 of the ERBIN protein (p.Val12Ala). This variant is not present in population databases (gnomAD no frequency). This variant has not been reported in the literature in individuals affected with ERBIN-related conditions. An algorithm developed to predict the effect of missense changes on protein structure and function (PolyPhen-2) suggests that this variant is likely to be disruptive. In summary, the available evidence is currently insufficient to determine the role of this variant in disease. Therefore, it has been classified as a Variant of Uncertain Significance.